The following is an entry in ClinVar:

ClinVar aggregate classification (germline): Uncertain significance (1 of 4 stars; one submission).

Conditions:
Polycystic kidney disease 4 (PKD4). Also called: POLYCYSTIC KIDNEY AND HEPATIC DISEASE 1; POLYCYSTIC KIDNEY DISEASE, INFANTILE, TYPE I; PKD3; Autosomal Recessive Polycystic Kidney Disease – PKHD1; POLYCYSTIC KIDNEY DISEASE 4 WITH OR WITHOUT POLYCYSTIC LIVER DISEASE. Identifiers: MedGen C4540575, MONDO:0033004, OMIM 263200.

Submission:

Myriad Genetics, Inc.
Classification: Uncertain significance for Polycystic kidney disease 4. Last evaluated: 2026-03-30. Review status: criteria provided, single submitter. Criteria: Myriad Autosomal Dominant, Autosomal Recessive and X-Linked Classification Criteria (2023). Collection method: clinical testing. Allele origin: unknown.
Comment: NM_138694.3(PKHD1):c.7158_7160dupCAC(T2387dup) is an in-frame insertion classified as a variant of uncertain significance in the context of autosomal recessive polycystic kidney disease, PKHD1-related. T2387dup has not been observed in cases with relevant disease. Relevant functional assessments of this variant are not available in the literature. T2387dup has not been observed in referenced population frequency databases. In summary, there is insufficient evidence to classify NM_138694.3(PKHD1):c.7158_7160dupCAC(T2387dup) as pathogenic or benign. Please note: this variant was assessed in the context of healthy population screening.

NM_138694.4(PKHD1):c.7158_7160dup (p.Thr2387_Gly2388insThr)

Gene: PKHD1 (PKHD1 ciliary IPT domain containing fibrocystin/polyductin; minus strand). Cytogenetic location: 6p12.2.
Variant type: Duplication.
Coding change: c.7158_7160dup on transcript NM_138694.4 (MANE Select); coding-DNA positions 7158 to 7160, 3 bases duplicated (CAC; older notation c.7158_7160dupCAC).
Protein change: p.Thr2387_Gly2388insThr.
Molecular consequence: inframe insertion.
Genome position (GRCh38, 1-based): chr6:51,885,922-51,885,924, GTG duplicated on the plus strand (CAC on the coding strand, the reverse complement: PKHD1 is on the minus strand). VCF-style (leftmost placement, unchanged base first): chr6-51885921-A-AGTG. GRCh37 (hg19) VCF-style: chr6-51750719-A-AGTG.
Other names: c.7158_7160dup, p.Thr2387_Gly2388insThr (NM_170724.3).
Identifiers: ClinVar variation 5003221 (VCV005003221.1).